The following is an entry in ClinVar:

ClinVar aggregate classification (germline): Uncertain significance. Review status: criteria provided, multiple submitters, no conflicts (2 of 4 stars). 5 submissions from 5 submitters: Uncertain significance (4). 1 of the submissions does not count toward it. Last evaluated 2024-06-07.

Conditions:
Intellectual disability. Also called: Intellectual developmental disorder; intellectual disabilities; Intellectual functioning disability. Identifiers: MedGen C3714756, MeSH D008607, MONDO:0001071, HP:0001249.
Donnai-Barrow syndrome. Also called: DBS/FOAR SYNDROME; FACIOOCULOACOUSTICORENAL SYNDROME. Identifiers: Orphanet 2143, MedGen C1857277, MONDO:0009104, OMIM 222448.

Allele frequency attached by ClinVar (database versions not stated): gnomAD 0.00003 and 0.00004; TOPMed 0.00003; gnomAD exomes 0.00006 and 0.00009; ExAC 0.00012; ESP Exome Variant Server 0.00015.
gnomAD v4.1: 99 of 1,614,002 alleles (0.0061%); highest among the groups gnomAD compares: Non-Finnish European, 0.0076%; 1 homozygote.

Submissions (5):

Fulgent Genetics
Classification: Uncertain significance for Donnai-Barrow syndrome. Last evaluated: 2024-06-07. Review status: criteria provided, single submitter. Criteria: ACMG Guidelines, 2015. Collection method: clinical testing. Allele origin: germline.

Blueprint Genetics
Classification: Uncertain significance. Last evaluated: 2023-05-09. Review status: criteria provided, single submitter. Criteria: ACMG Guidelines, 2015. Collection method: clinical testing. Allele origin: germline.

CeGaT Center for Human Genetics Tuebingen
Classification: Uncertain significance. Last evaluated: 2023-03-01. Review status: criteria provided, single submitter. Criteria: CeGaT Center For Human Genetics Tuebingen Variant Classification Criteria Version 2. Collection method: clinical testing. Allele origin: germline. Affected: yes. Observed: 1 variant allele.
Comment: LRP2: PM2

Labcorp Genetics (formerly Invitae), Labcorp
Classification: Uncertain significance. Last evaluated: 2022-10-18. Review status: criteria provided, single submitter. Criteria: Invitae Variant Classification Sherloc (09022015). Collection method: clinical testing. Allele origin: germline.
Comment: This sequence change replaces arginine, which is basic and polar, with tryptophan, which is neutral and slightly polar, at codon 2336 of the LRP2 protein (p.Arg2336Trp). This variant is present in population databases (rs149849411, gnomAD 0.02%). This variant has not been reported in the literature in individuals affected with LRP2-related conditions. ClinVar contains an entry for this variant (Variation ID: 975599). Algorithms developed to predict the effect of missense changes on protein structure and function are either unavailable or do not agree on the potential impact of this missense change (SIFT: "Deleterious"; PolyPhen-2: "Possibly Damaging"; Align-GVGD: "Class C0"). In summary, the available evidence is currently insufficient to determine the role of this variant in disease. Therefore, it has been classified as a Variant of Uncertain Significance.

Centre de Biologie Pathologie Génétique, Centre Hospitalier Universitaire de Lille
Classification: Likely benign for Intellectual disability. Last evaluated: 2019-01-01. Review status: no assertion criteria provided. Collection method: clinical testing. Allele origin: inherited. Affected: yes. Not counted in ClinVar's aggregate classification.

NM_004525.3(LRP2):c.7006C>T (p.Arg2336Trp)

Gene: LRP2 (LDL receptor related protein 2; minus strand). Cytogenetic location: 2q31.1.
Variant type: single nucleotide variant.
Coding change: c.7006C>T on transcript NM_004525.3 (MANE Select); coding-DNA position 7006, C replaced by T.
Protein change: p.Arg2336Trp; replaces arginine 2336 with tryptophan.
Molecular consequence: missense variant.
Genome position (GRCh38, 1-based): chr2:169,206,714, G>A on the plus strand (C>T on the coding strand, the complement: LRP2 is on the minus strand). VCF-style: chr2-169206714-G-A. GRCh37 (hg19) VCF-style: chr2-170063224-G-A.
Other names: short protein forms R2336W.
Identifiers: ClinVar variation 975599 (VCV000975599.32), dbSNP rs149849411, ClinGen allele CA1954182.